The following is an entry in ClinVar:

ClinVar aggregate classification (germline): Uncertain significance (1 of 4 stars; one submission).

gnomAD v4.1: 3 of 1,611,460 alleles (0.00019%); highest among the groups gnomAD compares: East Asian, 0.0022%; no homozygotes.

Submission:

GeneDx
Classification: Uncertain significance. Last evaluated: 2023-11-22. Review status: criteria provided, single submitter. Criteria: GeneDx Variant Classification Process June 2021. Collection method: clinical testing. Allele origin: germline. Affected: yes.
Comment: Not observed at significant frequency in large population cohorts (gnomAD); In silico analysis supports that this missense variant does not alter protein structure/function; Has not been previously published as pathogenic or benign to our knowledge

NM_001382391.1(CSPP1):c.2612C>T (p.Ser871Leu)

Gene: CSPP1 (centrosome and spindle pole associated protein 1; plus strand). Cytogenetic location: 8q13.2.
Variant type: single nucleotide variant.
Coding change: c.2612C>T on transcript NM_001382391.1 (MANE Select); coding-DNA position 2612, C replaced by T.
Protein change: p.Ser871Leu; replaces serine 871 with leucine.
Molecular consequence: missense variant.
Genome position (GRCh38, 1-based): chr8:67,161,884, C>T. VCF-style: chr8-67161884-C-T. GRCh37 (hg19) VCF-style: chr8-68074119-C-T.
Other names: c.1562C>T, p.Ser521Leu (NM_001291339.2); c.2531C>T, p.Ser844Leu (NM_001363131.2); c.2417C>T, p.Ser806Leu (NM_001363132.2); c.2336C>T, p.Ser779Leu (NM_001363133.2); c.2678C>T, p.Ser893Leu (NM_001364869.1); c.2498C>T, p.Ser833Leu (NM_001364870.1); c.2597C>T, p.Ser866Leu (NM_024790.7); short protein forms S521L, S779L, S806L, S833L, S844L, S866L, S871L, S893L.
Identifiers: ClinVar variation 3364621 (VCV003364621.1).